The following is an entry in ClinVar:

ClinVar aggregate classification (germline): Benign/Likely benign. Review status: criteria provided, multiple submitters, no conflicts (2 of 4 stars). 10 submissions from 10 submitters: Benign (3); Likely benign (6). 1 of the submissions does not count toward it. Last evaluated 2025-12-29.

Conditions:
NF2-related disorder. Also called: NF2-related condition.
Hereditary cancer-predisposing syndrome. Also called: Tumor predisposition; Hereditary neoplastic syndrome; Hereditary Cancer Syndrome; Neoplastic Syndromes, Hereditary. Identifiers: Orphanet 140162, MedGen C0027672, MeSH D009386, MONDO:0015356.
Neurofibromatosis, type 2 (SWNV). Also called: BILATERAL ACOUSTIC NEUROFIBROMATOSIS; NF2-Related Schwannomatosis; SCHWANNOMATOSIS, VESTIBULAR. Identifiers: Orphanet 637, MedGen C0027832, MONDO:0007039, OMIM 101000. Disease mechanism: loss of function.

Allele frequency attached by ClinVar (database versions not stated): gnomAD 0.00006 and 0.00008; TOPMed 0.00008; gnomAD exomes 0.00012; ExAC 0.00033.

Submissions (10):

Labcorp Genetics (formerly Invitae), Labcorp
Classification: Likely benign for Neurofibromatosis, type 2. Last evaluated: 2025-12-29. Review status: criteria provided, single submitter. Criteria: Invitae Variant Classification Sherloc (09022015). Collection method: clinical testing. Allele origin: germline.

CeGaT Center for Human Genetics Tuebingen
Classification: Likely benign. Last evaluated: 2025-07-01. Review status: criteria provided, single submitter. Criteria: CeGaT Center For Human Genetics Tuebingen Variant Classification Criteria Version 2. Collection method: clinical testing. Allele origin: germline. Affected: yes. Observed: 2 variant alleles.
Comment: NF2: BP4, BP7

Blueprint Genetics
Classification: Likely benign. Last evaluated: 2024-09-02. Review status: criteria provided, single submitter. Criteria: ACMG Guidelines, 2015. Collection method: clinical testing. Allele origin: germline.

All of Us Research Program, National Institutes of Health
Classification: Benign for Neurofibromatosis, type 2. Last evaluated: 2023-12-13. Review status: criteria provided, single submitter. Criteria: ACMG Guidelines, 2015. Collection method: clinical testing. Allele origin: germline. Inheritance: Autosomal dominant inheritance. Observed: 16 variant alleles, 16 heterozygotes.
Comment: This study involves interpretation of variants in research participants for the purpose of population health screening. Participant phenotype was not available at the time of variant classification. Additional details can be found in publication PMID: 35346344, PMCID: PMC8962531

Color Diagnostics, LLC DBA Color Health
Classification: Benign for Neurofibromatosis, type 2. Last evaluated: 2022-09-16. Review status: criteria provided, single submitter. Criteria: ACMG Guidelines, 2015. Collection method: clinical testing. Allele origin: germline.

Genome-Nilou Lab
Classification: Likely benign for Neurofibromatosis, type 2. Last evaluated: 2021-11-07. Review status: criteria provided, single submitter. Criteria: ACMG Guidelines, 2015. Collection method: clinical testing. Allele origin: germline. Affected: no.

Sema4
Classification: Benign for Hereditary cancer-predisposing syndrome. Last evaluated: 2021-06-16. Review status: criteria provided, single submitter. Criteria: Sema4 Curation Guidelines. Collection method: curation. Allele origin: germline.

Illumina Laboratory Services, Illumina
Classification: Likely benign for Neurofibromatosis, type 2. Last evaluated: 2018-01-13. Review status: criteria provided, single submitter. Criteria: ICSL Variant Classification Criteria 13 December 2019. Collection method: clinical testing. Allele origin: germline.
Comment: This variant was observed in the ICSL laboratory as part of a predisposition screen in an ostensibly healthy population. It had not been previously curated by ICSL or reported in the Human Gene Mutation Database (HGMD: prior to June 1st, 2018), and was therefore a candidate for classification through an automated scoring system. Utilizing variant allele frequency, disease prevalence and penetrance estimates, and inheritance mode, an automated score was calculated to assess if this variant is too frequent to cause the disease. Based on the score and internal cut-off values, a variant classified as likely benign is not then subjected to further curation. The score for this variant resulted in a classification of likely benign for this disease.

Ambry Genetics
Classification: Likely benign for Hereditary cancer-predisposing syndrome. Last evaluated: 2017-10-05. Review status: criteria provided, single submitter. Criteria: Ambry Variant Classification Scheme 2023. Collection method: clinical testing. Allele origin: germline.

PreventionGenetics, part of Exact Sciences
Classification: Likely benign for NF2-related condition. Last evaluated: 2021-03-02. Review status: no assertion criteria provided. Collection method: clinical testing. Allele origin: germline. Not counted in ClinVar's aggregate classification.
Comment: This variant is classified as likely benign based on ACMG/AMP sequence variant interpretation guidelines (Richards et al. 2015 PMID: 25741868, with internal and published modifications).

NM_000268.4(NF2):c.1392G>A (p.Ala464=)

Gene: NF2 (NF2, moesin-ezrin-radixin like (MERLIN) tumor suppressor; plus strand). Cytogenetic location: 22q12.2.
Variant type: single nucleotide variant.
Coding change: c.1392G>A on transcript NM_000268.4 (MANE Select); coding-DNA position 1392, G replaced by A.
Protein change: p.Ala464=; no amino-acid change (alanine 464 retained).
Molecular consequence: synonymous variant. On other transcripts: non-coding transcript variant (1), intron variant (1).
Genome position (GRCh38, 1-based): chr22:29,674,887, G>A. VCF-style: chr22-29674887-G-A. GRCh37 (hg19) VCF-style: chr22-30070876-G-A.
Other names: c.1392G>A, p.Ala464= (NM_016418.5, NM_181825.3, NM_181832.3); c.1266G>A, p.Ala422= (NM_181828.3); c.1269G>A, p.Ala423= (NM_181829.3); c.1143G>A, p.Ala381= (NM_181830.3, NM_181831.3); c.448-19865G>A (NM_181833.3); c.1392G>A (NM_181832.2).
Identifiers: ClinVar variation 417144 (VCV000417144.60), dbSNP rs375819833, ClinGen allele CA030029.